The following is an entry in ClinVar:

ClinVar aggregate classification (germline): Uncertain significance (1 of 4 stars; one submission).

Submission:

Labcorp Genetics (formerly Invitae), Labcorp
Classification: Uncertain significance. Last evaluated: 2021-08-03. Review status: criteria provided, single submitter. Criteria: Invitae Variant Classification Sherloc (09022015). Collection method: clinical testing. Allele origin: germline.
Comment: In summary, the available evidence is currently insufficient to determine the role of this variant in disease. Therefore, it has been classified as a Variant of Uncertain Significance. Algorithms developed to predict the effect of missense changes on protein structure and function output the following: SIFT: "Tolerated"; PolyPhen-2: "Benign"; Align-GVGD: "Class C0". The aspartic acid amino acid residue is found in multiple mammalian species, which suggests that this missense change does not adversely affect protein function. This variant has not been reported in the literature in individuals affected with GALNT12-related conditions. This variant is not present in population databases (ExAC no frequency). This sequence change replaces asparagine with aspartic acid at codon 263 of the GALNT12 protein (p.Asn263Asp). The asparagine residue is highly conserved and there is a small physicochemical difference between asparagine and aspartic acid.

NM_024642.5(GALNT12):c.787A>G (p.Asn263Asp)

Gene: GALNT12 (polypeptide N-acetylgalactosaminyltransferase 12; plus strand). Cytogenetic location: 9q22.33.
Variant type: single nucleotide variant.
Coding change: c.787A>G on transcript NM_024642.5 (MANE Select); coding-DNA position 787, A replaced by G.
Protein change: p.Asn263Asp; replaces asparagine 263 with aspartic acid.
Molecular consequence: missense variant.
Genome position (GRCh38, 1-based): chr9:98,831,827, A>G. VCF-style: chr9-98831827-A-G. GRCh37 (hg19) VCF-style: chr9-101594109-A-G.
Other names: short protein forms N263D.
Identifiers: ClinVar variation 1480359 (VCV001480359.6), dbSNP rs2118414001, ClinGen allele CA374218006.